The following is an entry in ClinVar:

NM_004656.4(BAP1):c.422A>G (p.His141Arg)

Gene: BAP1 (BRCA1 associated deubiquitinase 1; minus strand). Cytogenetic location: 3p21.1.
Variant type: single nucleotide variant.
Coding change: c.422A>G on transcript NM_004656.4 (MANE Select); coding-DNA position 422, A replaced by G.
Protein change: p.His141Arg; replaces histidine 141 with arginine.
Molecular consequence: missense variant.
Genome position (GRCh38, 1-based): chr3:52,407,414, T>C on the plus strand (A>G on the coding strand, the complement: BAP1 is on the minus strand). VCF-style: chr3-52407414-T-C. GRCh37 (hg19) VCF-style: chr3-52441430-T-C.
Other names: short protein forms H141R.
Identifiers: ClinVar variation 1009848 (VCV001009848.17), dbSNP rs1705201896, ClinGen allele CA353110768.

ClinVar aggregate classification (germline): Likely pathogenic. Review status: criteria provided, multiple submitters, no conflicts (2 of 4 stars). 5 submissions from 5 submitters: Likely pathogenic (3). 2 of the submissions do not count toward it. Last evaluated 2026-03-04.

Conditions:
BAP1-related tumor predisposition syndrome (TPDS1). Also called: TUMOR PREDISPOSITION SYNDROME 1; Tumor susceptibility linked to germline BAP1 mutations; BAP1 tumor predisposition syndrome; COMMON Syndrome. Identifiers: Orphanet 289539, MedGen C3280492, MONDO:0013692, OMIM 614327.
Hereditary cancer-predisposing syndrome. Also called: Hereditary Cancer Syndrome; Hereditary neoplastic syndrome; Tumor predisposition; Neoplastic Syndromes, Hereditary. Identifiers: Orphanet 140162, MedGen C0027672, MeSH D009386, MONDO:0015356.

Allele frequency attached by ClinVar (database versions not stated): gnomAD exomes below 0.00001.

Submissions (5):

Myriad Genetics, Inc.
Classification: Likely pathogenic for BAP1-related tumor predisposition syndrome. Last evaluated: 2026-03-04. Review status: criteria provided, single submitter. Criteria: Myriad Autosomal Dominant, Autosomal Recessive and X-Linked Classification Criteria (2023). Collection method: clinical testing. Allele origin: unknown.
Comment: This variant is considered likely pathogenic. This variant is expected to disrupt protein structure [Myriad internal data]. Functional studies indicate this variant impacts protein function [PMID: 38969833]. This variant has been reported in an individual with clinical features of gene-specific disease [external communications 2026].

Center for Genomic Medicine, Rigshospitalet, Copenhagen University Hospital
Classification: Likely pathogenic. Last evaluated: 2025-12-29. Review status: criteria provided, single submitter. Criteria: ACMG Guidelines, 2015. Collection method: clinical testing. Allele origin: germline.

Ambry Genetics
Classification: Likely pathogenic for Hereditary cancer-predisposing syndrome. Last evaluated: 2025-08-05. Review status: criteria provided, single submitter. Criteria: Ambry Variant Classification Scheme 2023. Collection method: clinical testing. Allele origin: germline.
Comment: The p.H141R variant (also known as c.422A>G), located in coding exon 6 of the BAP1 gene, results from an A to G substitution at nucleotide position 422. The histidine at codon 141 is replaced by arginine, an amino acid with highly similar properties. This variant was reported in individuals with features consistent with BAP1-related tumor predisposition syndrome (Ambry internal data). This alteration was non-functional in a high throughput genome editing haploid cell survival assay (Waters AJ et al. Nat Genet, 2024 Jul;56:1434-1445). This amino acid position is highly conserved in available vertebrate species. In addition, this alteration is predicted to be deleterious by in silico analysis. Based on the majority of available evidence to date, this variant is likely to be pathogenic.

Department of Clinical Genetics, Copenhagen University Hospital, Rigshospitalet
Classification: Likely pathogenic for BAP1-related tumor predisposition syndrome. Last evaluated: 2023-06-27. Review status: no assertion criteria provided. Collection method: clinical testing. Allele origin: germline. Inheritance: Autosomal dominant inheritance. Affected: yes. Not counted in ClinVar's aggregate classification.
Comment: The following ACMG criteria is used: PM2_Supporting (not reported in gnomAD), PP1 (segregation analysis in the current families), PP3. Moreover loss of BAP1 expression in tumor tissue is observed. The variant is reported in the COSMIC database in three eye tumors and one biliary tract tumor

Labcorp Genetics (formerly Invitae), Labcorp
Classification: Uncertain significance for BAP1-related tumor predisposition syndrome. Last evaluated: 2025-08-11. Review status: flagged submission. Criteria: Invitae Variant Classification Sherloc (09022015). Collection method: clinical testing. Allele origin: germline. Not counted in ClinVar's aggregate classification.
Comment: This sequence change replaces histidine, which is basic and polar, with arginine, which is basic and polar, at codon 141 of the BAP1 protein (p.His141Arg). This variant is not present in population databases (gnomAD no frequency). This variant has not been reported in the literature in individuals affected with BAP1-related conditions. ClinVar contains an entry for this variant (Variation ID: 1009848). Invitae Evidence Modeling of protein sequence and biophysical properties (such as structural, functional, and spatial information, amino acid conservation, physicochemical variation, residue mobility, and thermodynamic stability) has been performed for this missense variant. However, the output from this modeling did not meet the statistical confidence thresholds required to predict the impact of this variant on BAP1 protein function. In summary, the available evidence is currently insufficient to determine the role of this variant in disease. Therefore, it has been classified as a Variant of Uncertain Significance.
ClinVar note: Reason: Outlier claim with insufficient supporting evidence

Literature cited by the submitters: PubMed 38969833 (cited by 3 submitters).